The following is an entry in ClinVar:

NM_001384732.1(CPLANE1):c.1877del (p.Ser626fs)

Gene: CPLANE1 (ciliogenesis and planar polarity effector complex subunit 1; minus strand). Cytogenetic location: 5p13.2.
Variant type: Deletion.
Coding change: c.1877del on transcript NM_001384732.1 (MANE Select); coding-DNA position 1877, one base deleted (G; older notation c.1877delG).
Protein change: p.Ser626fs; shifts the reading frame from serine 626.
Molecular consequence: frameshift variant.
Genome position (GRCh38, 1-based): chr5:37,226,718, C deleted on the plus strand (G on the coding strand, the reverse complement: CPLANE1 is on the minus strand). VCF-style (leftmost placement, unchanged base first): chr5-37226717-GC-G. GRCh37 (hg19) VCF-style: chr5-37226819-GC-G.
Other names: c.1877delG (NM_023073.3); c.1877del, p.Ser626fs (NM_023073.4); short protein forms S626fs.
Identifiers: ClinVar variation 473146 (VCV000473146.10), dbSNP rs1327245073, ClinGen allele CA559295627.

ClinVar aggregate classification (germline): Pathogenic/Likely pathogenic. Review status: criteria provided, multiple submitters, no conflicts (2 of 4 stars). 2 submissions from 2 submitters: Pathogenic (1); Likely pathogenic (1). Last evaluated 2025-12-15.

Conditions:
Orofaciodigital syndrome type 6 (OFD6). Also called: OROFACIODIGITAL SYNDROME VI; OFDS VI; POLYDACTYLY, CLEFT LIP/PALATE OR LINGUAL LUMP, AND PSYCHOMOTOR RETARDATION; VARADI SYNDROME; VARADI-PAPP SYNDROME; Oral-facial-digital syndrome type 6. Identifiers: Orphanet 2754, MedGen C2745997, MONDO:0010176, OMIM 277170.
Joubert syndrome 17 (JBTS17). Identifiers: Orphanet 475, MedGen C3553264, MONDO:0013824, OMIM 614615.

Allele frequency attached by ClinVar (database versions not stated): gnomAD exomes below 0.00001 and 0.00001; gnomAD 0.00001; TOPMed 0.00002.

Submissions (2):

Labcorp Genetics (formerly Invitae), Labcorp
Classification: Pathogenic. Last evaluated: 2025-12-15. Review status: criteria provided, single submitter. Criteria: Invitae Variant Classification Sherloc (09022015). Collection method: clinical testing. Allele origin: germline.
Comment: This sequence change creates a premature translational stop signal (p.Ser626Thrfs*26) in the CPLANE1 gene. It is expected to result in an absent or disrupted protein product. Loss-of-function variants in CPLANE1 are known to be pathogenic (PMID: 24178751, 26092869). This variant is present in population databases (no rsID available, gnomAD 0.006%). This variant has not been reported in the literature in individuals affected with CPLANE1-related conditions. ClinVar contains an entry for this variant (Variation ID: 473146). For these reasons, this variant has been classified as Pathogenic.

Fulgent Genetics
Classification: Likely pathogenic for Orofaciodigital syndrome type 6; Joubert syndrome 17. Last evaluated: 2024-04-18. Review status: criteria provided, single submitter. Criteria: ACMG Guidelines, 2015. Collection method: clinical testing. Allele origin: germline.

Literature cited by the submitters: PubMed 24178751 (cited by Labcorp Genetics (formerly Invitae), Labcorp); PubMed 26092869 (cited by Labcorp Genetics (formerly Invitae), Labcorp).